The following is an entry in ClinVar:

NM_007078.3(LDB3):c.544G>A (p.Gly182Ser)

Gene: LDB3 (LIM domain binding 3; plus strand). Cytogenetic location: 10q23.2.
Variant type: single nucleotide variant.
Coding change: c.544G>A on transcript NM_007078.3 (MANE Select); coding-DNA position 544, G replaced by A.
Protein change: p.Gly182Ser; replaces glycine 182 with serine.
Molecular consequence: missense variant. On other transcripts: intron variant (5).
Genome position (GRCh38, 1-based): chr10:86,681,658, G>A. VCF-style: chr10-86681658-G-A. GRCh37 (hg19) VCF-style: chr10-88441415-G-A.
Other names: c.544G>A, p.Gly182Ser (NM_001080115.2, NM_001171610.2, NM_001171611.2 and 3 more transcripts); c.321+1501G>A (NM_001368068.1, NM_001368066.1, NM_001080114.2 and 2 more transcripts); short protein forms G182S.
Identifiers: ClinVar variation 1948683 (VCV001948683.8), dbSNP rs141430674, ClinGen allele CA5584733.

ClinVar aggregate classification (germline): Conflicting classifications of pathogenicity. Review status: criteria provided, conflicting classifications (1 of 4 stars). 3 submissions from 3 submitters: Uncertain significance (2); Likely benign (1). Last evaluated 2025-02-06.

Conditions:
Myofibrillar myopathy 4. Also called: Zaspopathy (type). Identifiers: Orphanet 98912, MedGen C4721886, MONDO:0012277, OMIM 609452.
Cardiovascular phenotype. Identifiers: MedGen CN230736.

Allele frequency attached by ClinVar (database versions not stated): ExAC 0.00003; gnomAD 0.00003; TOPMed 0.00003; ESP Exome Variant Server 0.00008; 1000 Genomes Project 30x 0.00031; 1000 Genomes Project 0.00040.
gnomAD v4.1: 15 of 1,613,280 alleles (0.00093%); highest among the groups gnomAD compares: African/African-American, 0.0053%; no homozygotes.

Submissions (3):

Labcorp Genetics (formerly Invitae), Labcorp
Classification: Uncertain significance for Myofibrillar myopathy 4. Last evaluated: 2025-02-06. Review status: criteria provided, single submitter. Criteria: Invitae Variant Classification Sherloc (09022015). Collection method: clinical testing. Allele origin: germline.
Comment: The LDB3 gene has multiple clinically relevant transcripts. This variant occurs in alternate transcript NM_007078.3, and corresponds to NM_001080116.1:c.321+1501G>A in the primary transcript. This sequence change replaces glycine, which is neutral and non-polar, with serine, which is neutral and polar, at codon 182 of the LDB3 protein (p.Gly182Ser). This variant is present in population databases (rs141430674, gnomAD 0.01%). This variant has not been reported in the literature in individuals affected with LDB3-related conditions. ClinVar contains an entry for this variant (Variation ID: 1948683). Experimental studies and prediction algorithms are not available or were not evaluated, and the functional significance of this variant is currently unknown. Algorithms developed to predict the effect of sequence changes on RNA splicing suggest that this variant is not likely to affect RNA splicing. In summary, the available evidence is currently insufficient to determine the role of this variant in disease. Therefore, it has been classified as a Variant of Uncertain Significance.

Ambry Genetics
Classification: Likely benign for Cardiovascular phenotype. Last evaluated: 2024-08-19. Review status: criteria provided, single submitter. Criteria: Ambry Variant Classification Scheme 2023. Collection method: clinical testing. Allele origin: germline.

Blueprint Genetics
Classification: Uncertain significance. Last evaluated: 2024-05-21. Review status: criteria provided, single submitter. Criteria: ACMG Guidelines, 2015. Collection method: clinical testing. Allele origin: germline.